The following is an entry in ClinVar:

ClinVar aggregate classification (germline): Conflicting classifications of pathogenicity. Review status: criteria provided, conflicting classifications (1 of 4 stars). 2 submissions from 2 submitters: Uncertain significance (1); Likely benign (1). Last evaluated 2025-09-03.

Conditions:
Hereditary cancer-predisposing syndrome. Also called: Hereditary neoplastic syndrome; Neoplastic Syndromes, Hereditary; Tumor predisposition; Hereditary Cancer Syndrome. Identifiers: Orphanet 140162, MedGen C0027672, MeSH D009386, MONDO:0015356.
Rhabdoid tumor predisposition syndrome 2 (RTPS2). Identifiers: Orphanet 231108, Orphanet 69077, MedGen C2750074, MONDO:0013224, OMIM 613325.

Allele frequency attached by ClinVar (database versions not stated): gnomAD exomes below 0.00001.
gnomAD v4.1: 2 of 1,601,514 alleles (0.00012%); highest among the groups gnomAD compares: Non-Finnish European, 0.00017%; no homozygotes.

Submissions (2):

Ambry Genetics
Classification: Likely benign for Hereditary cancer-predisposing syndrome. Last evaluated: 2025-09-03. Review status: criteria provided, single submitter. Criteria: Ambry Variant Classification Scheme 2023. Collection method: clinical testing. Allele origin: germline.

Labcorp Genetics (formerly Invitae), Labcorp
Classification: Uncertain significance for Rhabdoid tumor predisposition syndrome 2. Last evaluated: 2022-05-09. Review status: criteria provided, single submitter. Criteria: Invitae Variant Classification Sherloc (09022015). Collection method: clinical testing. Allele origin: germline.
Comment: In summary, the available evidence is currently insufficient to determine the role of this variant in disease. Therefore, it has been classified as a Variant of Uncertain Significance. Algorithms developed to predict the effect of missense changes on protein structure and function (SIFT, PolyPhen-2, Align-GVGD) all suggest that this variant is likely to be tolerated. ClinVar contains an entry for this variant (Variation ID: 1006102). This variant has not been reported in the literature in individuals affected with SMARCA4-related conditions. This variant is not present in population databases (gnomAD no frequency). This sequence change replaces alanine, which is neutral and non-polar, with serine, which is neutral and polar, at codon 1405 of the SMARCA4 protein (p.Ala1405Ser).

NM_003072.5(SMARCA4):c.4171-1807G>T

Gene: SMARCA4 (SWI/SNF related BAF chromatin remodeling complex subunit ATPase 4; plus strand). Cytogenetic location: 19p13.2.
Variant type: single nucleotide variant.
Coding change: c.4171-1807G>T on transcript NM_003072.5 (MANE Select); 1807 bases into the intron before coding-DNA position 4171, G replaced by T.
Molecular consequence: intron variant. On other transcripts: missense variant (1).
Genome position (GRCh38, 1-based): chr19:11,039,500, G>T. VCF-style: chr19-11039500-G-T. GRCh37 (hg19) VCF-style: chr19-11150176-G-T.
Other names: c.4213G>T (NM_001128849.1); c.4213G>T, p.Ala1405Ser (NM_001128849.3); c.4171-1807G>T (NM_001128844.3); c.4072-1807G>T (NM_001128847.4, NM_001374457.1, NM_001128848.2); c.4072-1798G>T (NM_001128845.2, NM_001128846.2); short protein forms A1405S.
Identifiers: ClinVar variation 1006102 (VCV001006102.12), dbSNP rs2075452756, ClinGen allele CA404071471.